The following is an entry in ClinVar:

NM_000343.4(SLC5A1):c.*1940G>A

Gene: SLC5A1 (solute carrier family 5 member 1; plus strand). Cytogenetic location: 22q12.3.
Variant type: single nucleotide variant.
Coding change: c.*1940G>A on transcript NM_000343.4 (MANE Select); 1940 bases downstream of the stop codon, G replaced by A.
Molecular consequence: 3 prime UTR variant.
Genome position (GRCh38, 1-based): chr22:32,112,153, G>A. VCF-style: chr22-32112153-G-A. GRCh37 (hg19) VCF-style: chr22-32508140-G-A.
Other names: c.*1940G>A (NM_001256314.2).
Identifiers: ClinVar variation 341293 (VCV000341293.5), dbSNP rs117112619, ClinGen allele CA10654044.
Genomic context (GRCh38, chr22:32,112,153, plus strand): 5'-AACAGAGACATAAATGCCTGGCTCACAGATTTAAATGTTATACATTGACAGCATTTATCA[G>A]TATAACATTTATTTAAATAAGTAGGTGCTCAATAGGTGTTGGTCTTCTAACTTGTCTACA-3'

ClinVar aggregate classification (germline): Benign (1 of 4 stars; one submission).

Conditions:
Congenital glucose-galactose malabsorption (GGM). Also called: MONOSACCHARIDE MALABSORPTION; DIARRHEA 16. Identifiers: Orphanet 35710, MedGen C0268186, MONDO:0011731, OMIM 606824.

Allele frequency attached by ClinVar (database versions not stated): 1000 Genomes Project 0.02216; 1000 Genomes Project 30x 0.02420; TOPMed 0.04395.

Submission:

Illumina Laboratory Services, Illumina
Classification: Benign for Congenital glucose-galactose malabsorption. Last evaluated: 2018-01-12. Review status: criteria provided, single submitter. Criteria: ICSL Variant Classification Criteria 13 December 2019. Collection method: clinical testing. Allele origin: germline.
Comment: This variant was observed in the ICSL laboratory as part of a predisposition screen in an ostensibly healthy population. It had not been previously curated by ICSL or reported in the Human Gene Mutation Database (HGMD: prior to June 1st, 2018), and was therefore a candidate for classification through an automated scoring system. Utilizing variant allele frequency, disease prevalence and penetrance estimates, and inheritance mode, an automated score was calculated to assess if this variant is too frequent to cause the disease. Based on the score and internal cut-off values, a variant classified as benign is not then subjected to further curation. The score for this variant resulted in a classification of benign for this disease.